The following is an entry in ClinVar:

ClinVar aggregate classification (germline): Uncertain significance (1 of 4 stars; one submission).

Conditions:
Hypertrophic cardiomyopathy. Also called: HYPERTROPHIC MYOCARDIOPATHY. Identifiers: Orphanet 217569, MedGen C0007194, MeSH D002312, MONDO:0005045, HP:0001639.

Submission:

Labcorp Genetics (formerly Invitae), Labcorp
Classification: Uncertain significance for Hypertrophic cardiomyopathy. Last evaluated: 2022-08-23. Review status: criteria provided, single submitter. Criteria: Invitae Variant Classification Sherloc (09022015). Collection method: clinical testing. Allele origin: germline.
Comment: In summary, the available evidence is currently insufficient to determine the role of this variant in disease. Therefore, it has been classified as a Variant of Uncertain Significance. Experimental studies and prediction algorithms are not available or were not evaluated, and the functional significance of this variant is currently unknown. This variant has not been reported in the literature in individuals affected with MYH7-related conditions. This variant is not present in population databases (gnomAD no frequency). This variant, c.4735_4737del, results in the deletion of 1 amino acid(s) of the MYH7 protein (p.Lys1579del), but otherwise preserves the integrity of the reading frame.

NM_000257.4(MYH7):c.4735_4737del (p.Lys1579del)

Genes: MHRT (myosin heavy chain associated RNA transcript; plus strand), MYH7 (myosin heavy chain 7; minus strand), LOC126861897 (BRD4-independent group 4 enhancer GRCh37_chr14:23884455-23885654; plus strand). Cytogenetic location: 14q11.2.
Variant type: Deletion.
Coding change: c.4735_4737del on transcript NM_000257.4 (MANE Select); coding-DNA positions 4735 to 4737, 3 bases deleted (AAG; older notation c.4735_4737delAAG).
Protein change: p.Lys1579del; deletes lysine 1579.
Molecular consequence: inframe deletion. On other transcripts: non-coding transcript variant (1), inframe indel (1).
Genome position (GRCh38, 1-based): chr14:23,416,220-23,416,222, CTT deleted on the plus strand (AAG on the coding strand, the reverse complement: MYH7 is on the minus strand); deleting any 3 consecutive bases within chr14:23,416,220-23,416,224 gives the same sequence; the c. name uses the placement nearest the transcript's 3' end. VCF-style (leftmost placement, unchanged base first): chr14-23416219-CCTT-C. GRCh37 (hg19) VCF-style: chr14-23885428-CCTT-C.
Other names: c.4733_4735delAGA, p.Lys1579del (NM_001407004.1); short protein forms K1579del.
Identifiers: ClinVar variation 2058201 (VCV002058201.4), dbSNP rs2502245474, ClinGen allele CA2580087877.
Genomic context (GRCh38, chr14:23,416,219, plus strand): 5'-AGGTCTGCAGCGAGTCCACCACCCGCAGGTGGTTGCGCTTGGCCTGTTCCATCTCCTCGT[CCTT>C]CTCTGCCAGCTTCCGCTCGATCTCTGCCTTGATCTGGTTGAACTCCAGCTGGGCCCGGAG-3'